The following is an entry in ClinVar:

NM_002778.4(PSAP):c.721-5_721-3del

Gene: PSAP (prosaposin; minus strand). Cytogenetic location: 10q22.1.
Variant type: Microsatellite.
Coding change: c.721-5_721-3del on transcript NM_002778.4 (MANE Select); 5 bases into the intron before coding-DNA position 721 through 3 bases into the intron before coding-DNA position 721, 3 bases deleted (CTC; older notation c.721-5_721-3delCTC).
Molecular consequence: intron variant.
Genome position (GRCh38, 1-based): chr10:71,825,896-71,825,898, GAG deleted on the plus strand (CTC on the coding strand, the reverse complement: PSAP is on the minus strand); deleting any 3 consecutive bases within chr10:71,825,896-71,825,901 gives the same sequence; the c. name uses the placement nearest the transcript's 3' end. VCF-style (leftmost placement, unchanged base first): chr10-71825895-TGAG-T. GRCh37 (hg19) VCF-style: chr10-73585652-TGAG-T.
Other names: c.721-5_721-3del (NM_001042466.3, NM_001042465.3).
Identifiers: ClinVar variation 1959759 (VCV001959759.4), dbSNP rs1411882145, ClinGen allele CA594309749.

ClinVar aggregate classification (germline): Uncertain significance (1 of 4 stars; one submission).

Conditions:
Sphingolipid activator protein 1 deficiency. Also called: Metachromatic leukodystrophy due to saposin B deficiency; Saposin B Deficiency; METACHROMATIC LEUKODYSTROPHY DUE TO CEREBROSIDE SULFATASE ACTIVATOR DEFICIENCY. Identifiers: Orphanet 512, MedGen C0268262, MONDO:0009590, OMIM 249900.

Submission:

Labcorp Genetics (formerly Invitae), Labcorp
Classification: Uncertain significance for Sphingolipid activator protein 1 deficiency. Last evaluated: 2024-12-02. Review status: criteria provided, single submitter. Criteria: Invitae Variant Classification Sherloc (09022015). Collection method: clinical testing. Allele origin: germline.
Comment: This sequence change falls in intron 6 of the PSAP gene. It does not directly change the encoded amino acid sequence of the PSAP protein. This variant is present in population databases (no rsID available, gnomAD 0.003%). This variant has not been reported in the literature in individuals affected with PSAP-related conditions. Algorithms developed to predict the effect of sequence changes on RNA splicing suggest that this variant may disrupt the consensus splice site. In summary, the available evidence is currently insufficient to determine the role of this variant in disease. Therefore, it has been classified as a Variant of Uncertain Significance.